The following is an entry in ClinVar:

NM_003072.5(SMARCA4):c.1057A>G (p.Thr353Ala)

Gene: SMARCA4 (SWI/SNF related BAF chromatin remodeling complex subunit ATPase 4; plus strand). Cytogenetic location: 19p13.2.
Variant type: single nucleotide variant.
Coding change: c.1057A>G on transcript NM_003072.5 (MANE Select); coding-DNA position 1057, A replaced by G.
Protein change: p.Thr353Ala; replaces threonine 353 with alanine.
Molecular consequence: missense variant. On other transcripts: non-coding transcript variant (1).
Genome position (GRCh38, 1-based): chr19:10,987,863, A>G. VCF-style: chr19-10987863-A-G. GRCh37 (hg19) VCF-style: chr19-11098539-A-G.
Other names: c.1057A>G, p.Thr353Ala (NM_001128844.3, NM_001128845.2, NM_001128846.2 and 6 more transcripts); short protein forms T353A.
Identifiers: ClinVar variation 3320690 (VCV003320690.1).

ClinVar aggregate classification (germline): Uncertain significance (1 of 4 stars; one submission).

Conditions:
Hereditary cancer-predisposing syndrome. Also called: Neoplastic Syndromes, Hereditary; Tumor predisposition; Hereditary neoplastic syndrome; Hereditary Cancer Syndrome. Identifiers: Orphanet 140162, MedGen C0027672, MeSH D009386, MONDO:0015356.

Submission:

Ambry Genetics
Classification: Uncertain significance for Hereditary cancer-predisposing syndrome. Last evaluated: 2024-03-18. Review status: criteria provided, single submitter. Criteria: Ambry Variant Classification Scheme 2023. Collection method: clinical testing. Allele origin: germline.
Comment: The p.T353A variant (also known as c.1057A>G), located in coding exon 5 of the SMARCA4 gene, results from an A to G substitution at nucleotide position 1057. The threonine at codon 353 is replaced by alanine, an amino acid with similar properties. This amino acid position is well conserved in available vertebrate species. In addition, the in silico prediction for this alteration is inconclusive. Based on the available evidence, the clinical significance of this alteration remains unclear.